The following is an entry in ClinVar:

NM_006231.4(POLE):c.1011A>G (p.Glu337=)

Gene: POLE (DNA polymerase epsilon, catalytic subunit; minus strand). Cytogenetic location: 12q24.33.
Variant type: single nucleotide variant.
Coding change: c.1011A>G on transcript NM_006231.4 (MANE Select); coding-DNA position 1011, A replaced by G.
Protein change: p.Glu337=; no amino-acid change (glutamic acid 337 retained).
Molecular consequence: synonymous variant.
Genome position (GRCh38, 1-based): chr12:132,676,103, T>C on the plus strand (A>G on the coding strand, the complement: POLE is on the minus strand). VCF-style: chr12-132676103-T-C. GRCh37 (hg19) VCF-style: chr12-133252689-T-C.
Identifiers: ClinVar variation 1078301 (VCV001078301.12), dbSNP rs780653256, ClinGen allele CA482722915.

ClinVar aggregate classification (germline): Benign/Likely benign. Review status: criteria provided, multiple submitters, no conflicts (2 of 4 stars). 3 submissions from 3 submitters: Benign (1); Likely benign (2). Last evaluated 2025-10-29.

Conditions:
Colorectal cancer, susceptibility to, 12 (CRCS12). Also called: COLORECTAL CANCER, SUSCEPTIBILITY TO, ON CHROMOSOME 12q24. Identifiers: Orphanet 220460, MedGen C3554460, MONDO:0014038, OMIM 615083.
Hereditary cancer-predisposing syndrome. Also called: Tumor predisposition; Hereditary neoplastic syndrome; Neoplastic Syndromes, Hereditary; Hereditary Cancer Syndrome. Identifiers: Orphanet 140162, MedGen C0027672, MeSH D009386, MONDO:0015356.

Submissions (3):

Labcorp Genetics (formerly Invitae), Labcorp
Classification: Likely benign. Last evaluated: 2025-10-29. Review status: criteria provided, single submitter. Criteria: Invitae Variant Classification Sherloc (09022015). Collection method: clinical testing. Allele origin: germline.

Myriad Genetics, Inc.
Classification: Benign for Colorectal cancer, susceptibility to, 12. Last evaluated: 2025-02-07. Review status: criteria provided, single submitter. Criteria: Myriad Autosomal Dominant, Autosomal Recessive and X-Linked Classification Criteria (2023). Collection method: clinical testing. Allele origin: unknown.
Comment: This variant is considered benign. This variant is a silent/synonymous amino acid change and it is not expected to impact splicing.

Ambry Genetics
Classification: Likely benign for Hereditary cancer-predisposing syndrome. Last evaluated: 2020-12-05. Review status: criteria provided, single submitter. Criteria: Ambry Variant Classification Scheme 2023. Collection method: clinical testing. Allele origin: germline.